The following is an entry in ClinVar:

ClinVar aggregate classification (germline): Uncertain significance (1 of 4 stars; one submission).

Conditions:
Autosomal dominant epilepsy with auditory features. Identifiers: Orphanet 101046, MedGen C1838062, MONDO:0010898.

Allele frequency attached by ClinVar (database versions not stated): TOPMed below 0.00001.

Submission:

Labcorp Genetics (formerly Invitae), Labcorp
Classification: Uncertain significance for Autosomal dominant epilepsy with auditory features. Last evaluated: 2024-09-09. Review status: criteria provided, single submitter. Criteria: Invitae Variant Classification Sherloc (09022015). Collection method: clinical testing. Allele origin: germline.
Comment: This sequence change replaces lysine, which is basic and polar, with threonine, which is neutral and polar, at codon 331 of the LGI1 protein (p.Lys331Thr). This variant is not present in population databases (gnomAD no frequency). This variant has not been reported in the literature in individuals affected with LGI1-related conditions. ClinVar contains an entry for this variant (Variation ID: 1001989). Invitae Evidence Modeling of protein sequence and biophysical properties (such as structural, functional, and spatial information, amino acid conservation, physicochemical variation, residue mobility, and thermodynamic stability) has been performed for this missense variant. However, the output from this modeling did not meet the statistical confidence thresholds required to predict the impact of this variant on LGI1 protein function. In summary, the available evidence is currently insufficient to determine the role of this variant in disease. Therefore, it has been classified as a Variant of Uncertain Significance.

NM_005097.4(LGI1):c.992A>C (p.Lys331Thr)

Gene: LGI1 (leucine rich glioma inactivated 1; plus strand). Cytogenetic location: 10q23.33.
Variant type: single nucleotide variant.
Coding change: c.992A>C on transcript NM_005097.4 (MANE Select); coding-DNA position 992, A replaced by C.
Protein change: p.Lys331Thr; replaces lysine 331 with threonine.
Molecular consequence: missense variant. On other transcripts: non-coding transcript variant (1), intron variant (1).
Genome position (GRCh38, 1-based): chr10:93,797,121, A>C. VCF-style: chr10-93797121-A-C. GRCh37 (hg19) VCF-style: chr10-95556878-A-C.
Other names: c.848A>C, p.Lys283Thr (NM_001308276.2); c.839-628A>C (NM_001308275.2); short protein forms K283T, K331T.
Identifiers: ClinVar variation 1001989 (VCV001001989.10), dbSNP rs2059987155, ClinGen allele CA377626904.